The following is an entry in ClinVar:

ClinVar aggregate classification (germline): Uncertain significance (1 of 4 stars; one submission).

Conditions:
Atrioventricular septal defect 4 (AVSD4). Identifiers: MedGen C3280781, MONDO:0013747, OMIM 614430.

Submission:

Labcorp Genetics (formerly Invitae), Labcorp
Classification: Uncertain significance for Atrioventricular septal defect 4. Last evaluated: 2023-06-18. Review status: criteria provided, single submitter. Criteria: Invitae Variant Classification Sherloc (09022015). Collection method: clinical testing. Allele origin: germline.
Comment: This sequence change replaces proline, which is neutral and non-polar, with alanine, which is neutral and non-polar, at codon 87 of the GATA4 protein (p.Pro87Ala). In summary, the available evidence is currently insufficient to determine the role of this variant in disease. Therefore, it has been classified as a Variant of Uncertain Significance. Advanced modeling of protein sequence and biophysical properties (such as structural, functional, and spatial information, amino acid conservation, physicochemical variation, residue mobility, and thermodynamic stability) performed at Invitae indicates that this missense variant is not expected to disrupt GATA4 protein function. This variant has not been reported in the literature in individuals affected with GATA4-related conditions. This variant is not present in population databases (gnomAD no frequency).

NM_001308093.3(GATA4):c.259C>G (p.Pro87Ala)

Gene: GATA4 (GATA binding protein 4). Cytogenetic location: 8p23.1.
Variant type: single nucleotide variant.
Coding change: c.259C>G on transcript NM_001308093.3 (MANE Select); coding-DNA position 259, C replaced by G.
Protein change: p.Pro87Ala; replaces proline 87 with alanine.
Molecular consequence: missense variant. On other transcripts: intron variant (3).
Genome position (GRCh38, 1-based): chr8:11,708,571, C>G. VCF-style: chr8-11708571-C-G. GRCh37 (hg19) VCF-style: chr8-11566080-C-G.
Other names: c.259C>G, p.Pro87Ala (NM_002052.5); c.-6+7793C>G (NM_001308094.2); c.-3+557C>G (NM_001374274.1); c.-3+4267C>G (NM_001374273.1); short protein forms P87A.
Identifiers: ClinVar variation 2718970 (VCV002718970.3), dbSNP rs2130068941, ClinGen allele CA370309257.